The following is an entry in ClinVar:

ClinVar aggregate classification (germline): Uncertain significance (1 of 4 stars; one submission).

Conditions:
Hypertrophic cardiomyopathy. Also called: HYPERTROPHIC MYOCARDIOPATHY. Identifiers: Orphanet 217569, MedGen C0007194, MeSH D002312, MONDO:0005045, HP:0001639.

gnomAD v4.1: 1 of 1,614,128 alleles (0.000062%); highest among the groups gnomAD compares: South Asian, 0.0011%; no homozygotes.

Submission:

Labcorp Genetics (formerly Invitae), Labcorp
Classification: Uncertain significance for Hypertrophic cardiomyopathy. Last evaluated: 2024-06-09. Review status: criteria provided, single submitter. Criteria: Invitae Variant Classification Sherloc (09022015). Collection method: clinical testing. Allele origin: germline.
Comment: This sequence change replaces tryptophan, which is neutral and slightly polar, with arginine, which is basic and polar, at codon 130 of the MYH7 protein (p.Trp130Arg). This variant is not present in population databases (gnomAD no frequency). This variant has not been reported in the literature in individuals affected with MYH7-related conditions. Advanced modeling of protein sequence and biophysical properties (such as structural, functional, and spatial information, amino acid conservation, physicochemical variation, residue mobility, and thermodynamic stability) performed at Invitae indicates that this missense variant is expected to disrupt MYH7 protein function with a positive predictive value of 95%. In summary, the available evidence is currently insufficient to determine the role of this variant in disease. Therefore, it has been classified as a Variant of Uncertain Significance.

NM_000257.4(MYH7):c.388T>C (p.Trp130Arg)

Gene: MYH7 (myosin heavy chain 7; minus strand). Cytogenetic location: 14q11.2.
Variant type: single nucleotide variant.
Coding change: c.388T>C on transcript NM_000257.4 (MANE Select); coding-DNA position 388, T replaced by C.
Protein change: p.Trp130Arg; replaces tryptophan 130 with arginine.
Molecular consequence: missense variant.
Genome position (GRCh38, 1-based): chr14:23,432,753, A>G on the plus strand (T>C on the coding strand, the complement: MYH7 is on the minus strand). VCF-style: chr14-23432753-A-G. GRCh37 (hg19) VCF-style: chr14-23901962-A-G.
Other names: c.388T>C, p.Trp130Arg (NM_001407004.1); short protein forms W130R.
Identifiers: ClinVar variation 3636062 (VCV003636062.2).